The following is an entry in ClinVar:

ClinVar aggregate classification (germline): Likely benign (1 of 4 stars; one submission).

Submission:

CeGaT Center for Human Genetics Tuebingen
Classification: Likely benign. Last evaluated: 2026-07-01. Review status: criteria provided, single submitter. Criteria: CeGaT Center For Human Genetics Tuebingen Variant Classification Criteria Version 2. Collection method: clinical testing. Allele origin: germline. Affected: yes. Observed: 1 variant allele.
Comment: ATR: PM2:Supporting, BP4, BP7

NM_001184.4(ATR):c.7506A>T (p.Gly2502=)

Gene: ATR (ATR checkpoint kinase; minus strand). Cytogenetic location: 3q23.
Variant type: single nucleotide variant.
Coding change: c.7506A>T on transcript NM_001184.4 (MANE Select); coding-DNA position 7506, A replaced by T.
Protein change: p.Gly2502=; no amino-acid change (glycine 2502 retained).
Molecular consequence: synonymous variant.
Genome position (GRCh38, 1-based): chr3:142,457,753, T>A on the plus strand (A>T on the coding strand, the complement: ATR is on the minus strand). VCF-style: chr3-142457753-T-A. GRCh37 (hg19) VCF-style: chr3-142176595-T-A.
Other names: c.7314A>T, p.Gly2438= (NM_001354579.2).
Identifiers: ClinVar variation 5039988 (VCV005039988.1).
Genomic context (GRCh38, chr3:142,457,753, plus strand): 5'-TCCATTAACCATATTATGAGTCAGGCGAAATGGCACAATTTCTGGAACTTCAAAGGTTTC[T>A]CCCTTAGAAACAATACATTTTATTACAAACTAACAATGTTAGAATTTAAAAATCTTTACT-3'
Protein context (NP_001175.2, residues 2492-2512): HVDFNCLFNK[Gly2502=]ETFEVPEIVP